The following is an entry in ClinVar:

NM_145038.5(DRC1):c.1369A>T (p.Ile457Leu)

Gene: DRC1 (dynein regulatory complex subunit 1; plus strand). Cytogenetic location: 2p23.3.
Variant type: single nucleotide variant.
Coding change: c.1369A>T on transcript NM_145038.5 (MANE Select); coding-DNA position 1369, A replaced by T.
Protein change: p.Ile457Leu; replaces isoleucine 457 with leucine.
Molecular consequence: missense variant.
Genome position (GRCh38, 1-based): chr2:26,444,921, A>T. VCF-style: chr2-26444921-A-T. GRCh37 (hg19) VCF-style: chr2-26667789-A-T.
Other names: short protein forms I457L.
Identifiers: ClinVar variation 1713997 (VCV001713997.6), dbSNP rs1414998432, ClinGen allele CA346111189.
Genomic context (GRCh38, chr2:26,444,921, plus strand): 5'-TTCTGGTTCCTGAACAATGTTGGGCCTATTTCTCAGCAGCCCCAGAAGTCCGCCACACAG[A>T]TAGTAGAAGAAATGCTTATGCGCTCAGGTGACTAGAACACTGTCATAGAGCCTTAGAGCT-3'
Protein context (NP_659475.2, residues 447-467): SQQPQKSATQ[Ile457Leu]VEEMLMRSEE

ClinVar aggregate classification (germline): Uncertain significance (1 of 4 stars; one submission).

Conditions:
Primary ciliary dyskinesia. Also called: Ciliary dyskinesia. Identifiers: Orphanet 244, MedGen C0008780, MONDO:0016575, HP:0012265.

Allele frequency attached by ClinVar (database versions not stated): gnomAD exomes below 0.00001.
gnomAD v4.1: 1 of 1,614,166 alleles (0.000062%); highest among the groups gnomAD compares: East Asian, 0.0022%; no homozygotes.

Submission:

Labcorp Genetics (formerly Invitae), Labcorp
Classification: Uncertain significance for Primary ciliary dyskinesia. Last evaluated: 2022-07-27. Review status: criteria provided, single submitter. Criteria: Invitae Variant Classification Sherloc (09022015). Collection method: clinical testing. Allele origin: germline.
Comment: In summary, the available evidence is currently insufficient to determine the role of this variant in disease. Therefore, it has been classified as a Variant of Uncertain Significance. Algorithms developed to predict the effect of sequence changes on RNA splicing suggest that this variant may disrupt the consensus splice site. Algorithms developed to predict the effect of missense changes on protein structure and function output the following: SIFT: "Tolerated"; PolyPhen-2: "Benign"; Align-GVGD: "Class C0". The leucine amino acid residue is found in multiple mammalian species, which suggests that this missense change does not adversely affect protein function. This variant has not been reported in the literature in individuals affected with DRC1-related conditions. This variant is present in population databases (no rsID available, gnomAD 0.006%). This sequence change replaces isoleucine, which is neutral and non-polar, with leucine, which is neutral and non-polar, at codon 457 of the DRC1 protein (p.Ile457Leu).